The following is an entry in ClinVar:

ClinVar aggregate classification (germline): Conflicting classifications of pathogenicity. Review status: criteria provided, conflicting classifications (1 of 4 stars). 24 submissions from 20 submitters: Uncertain significance (3); Benign (6); Likely benign (11). 4 of the submissions do not count toward it. Last evaluated 2026-02-03.

Conditions:
Dilated cardiomyopathy 1G (CMD1G). Identifiers: Orphanet 154, MedGen C1858763, MONDO:0011400, OMIM 604145.
Autosomal recessive limb-girdle muscular dystrophy type 2J (LGMDR10). Also called: MUSCULAR DYSTROPHY, LIMB-GIRDLE, AUTOSOMAL RECESSIVE 10; Limb-girdle muscular dystrophy, type 2J. Identifiers: Orphanet 140922, MedGen C1837342, MONDO:0012127, OMIM 608807.
Cardiovascular phenotype. Identifiers: MedGen CN230736.
TTN-related disorder. Also called: TTN-related disorders; TTN-related condition; TTN-related disease.
Cardiomyopathy (CMYO). Also called: Cardiomyopathies. Identifiers: Orphanet 167848, MedGen C0878544, MONDO:0004994, HP:0001638. Inheritance: Various modes of inheritance.
Early-onset myopathy with fatal cardiomyopathy (CMYO5). Also called: CONGENITAL MYOPATHY 5 WITH CARDIOMYOPATHY; Salih Myopathy. Identifiers: Orphanet 289377, MedGen C2673677, MONDO:0012714, OMIM 611705. Disease mechanism: loss of function.
Myopathy, myofibrillar, 9, with early respiratory failure (MFM9). Also called: Myopathy, distal, with early respiratory failure, autosomal dominant; Hereditary myopathy with early respiratory failure; MYOPATHY, PROXIMAL, WITH EARLY RESPIRATORY MUSCLE INVOLVEMENT; EDSTROM MYOPATHY. Identifiers: Orphanet 178464, Orphanet 34521, MedGen C1863599, MONDO:0011362, OMIM 603689.
Tibial muscular dystrophy (TMD). Also called: Udd Distal Myopathy – Tibial Muscular Dystrophy; Tibial muscular dystrophy, tardive; UDD MYOPATHY. Identifiers: Orphanet 609, MedGen C1838244, MONDO:0010870, OMIM 600334.
Hypertrophic cardiomyopathy. Also called: HYPERTROPHIC MYOCARDIOPATHY. Identifiers: Orphanet 217569, MedGen C0007194, MeSH D002312, MONDO:0005045, HP:0001639.

Allele frequency attached by ClinVar (database versions not stated): ExAC 0.00045; 1000 Genomes Project 30x 0.00156; TOPMed 0.00204; ESP Exome Variant Server 0.00277; 1000 Genomes Project 0.00160; gnomAD 0.00205 and 0.00192; gnomAD exomes 0.00045 and 0.00026.
gnomAD v4.1: 727 of 1,614,134 alleles (0.045%); highest among the groups gnomAD compares: African/African-American, 0.8%; 8 homozygotes.

Submissions (24):

Labcorp Genetics (formerly Invitae), Labcorp
Classification: Benign for Dilated cardiomyopathy 1G; Autosomal recessive limb-girdle muscular dystrophy type 2J. Last evaluated: 2026-02-03. Review status: criteria provided, single submitter. Criteria: Invitae Variant Classification Sherloc (09022015). Collection method: clinical testing. Allele origin: germline.

Molecular Diagnostic Laboratory for Inherited Cardiovascular Disease, Montreal Heart Institute
Classification: Likely benign. Last evaluated: 2025-04-09. Review status: criteria provided, single submitter. Criteria: ACMG Guidelines, 2015. Collection method: clinical testing. Allele origin: germline. Affected: no.

Athena Diagnostics
Classification: Benign. Last evaluated: 2025-03-26. Review status: criteria provided, single submitter. Criteria: Athena Diagnostics Criteria. Collection method: clinical testing. Allele origin: unknown.
Comment: The frequency of this variant in the general population is higher than would generally be expected for pathogenic variants in this gene.

Mayo Clinic Laboratories, Mayo Clinic
Classification: Likely benign. Last evaluated: 2025-03-24. Review status: criteria provided, single submitter. Criteria: ACMG Guidelines, 2015. Collection method: clinical testing. Allele origin: germline. Observed: 6 variant alleles.
Comment: BS1, BP4

Blueprint Genetics
Classification: Likely benign. Last evaluated: 2024-10-11. Review status: criteria provided, single submitter. Criteria: ACMG Guidelines, 2015. Collection method: clinical testing. Allele origin: germline.

CeGaT Center for Human Genetics Tuebingen
Classification: Likely benign. Last evaluated: 2024-04-01. Review status: criteria provided, single submitter. Criteria: CeGaT Center For Human Genetics Tuebingen Variant Classification Criteria Version 2. Collection method: clinical testing. Allele origin: germline. Affected: yes. Observed: 1 variant allele.
Comment: TTN: BS2

CHEO Genetics Diagnostic Laboratory, Children's Hospital of Eastern Ontario
Classification: Benign for Cardiomyopathy. Last evaluated: 2022-12-12. Review status: criteria provided, single submitter. Criteria: ACMG Guidelines, 2015. Collection method: clinical testing. Allele origin: germline. Study: Canadian Open Genetics Repository.

ARUP Laboratories, Molecular Genetics and Genomics, ARUP Laboratories
Classification: Likely benign. Last evaluated: 2022-09-13. Review status: criteria provided, single submitter. Criteria: ARUP Molecular Germline Variant Investigation Process 2021. Collection method: clinical testing. Allele origin: germline.

Women's Health and Genetics/Laboratory Corporation of America, LabCorp
Classification: Likely benign. Last evaluated: 2021-11-15. Review status: criteria provided, single submitter. Criteria: LabCorp Variant Classification Summary - May 2015. Collection method: clinical testing. Allele origin: germline.

GeneDx
Classification: Likely benign. Last evaluated: 2020-10-01. Review status: criteria provided, single submitter. Criteria: GeneDx Variant Classification Process June 2021. Collection method: clinical testing. Allele origin: germline. Affected: yes.

Ambry Genetics
Classification: Likely benign for Cardiovascular phenotype. Last evaluated: 2018-05-26. Review status: criteria provided, single submitter. Criteria: Ambry Variant Classification Scheme 2023. Collection method: clinical testing. Allele origin: germline.

Illumina Laboratory Services, Illumina
Classification: Benign for Tibial muscular dystrophy. Last evaluated: 2018-01-12. Review status: criteria provided, single submitter. Criteria: ICSL Variant Classification Criteria 13 December 2019. Collection method: clinical testing. Allele origin: germline.
Comment: This variant was observed in the ICSL laboratory as part of a predisposition screen in an ostensibly healthy population. It had not been previously curated by ICSL or reported in the Human Gene Mutation Database (HGMD: prior to June 1st, 2018), and was therefore a candidate for classification through an automated scoring system. Utilizing variant allele frequency, disease prevalence and penetrance estimates, and inheritance mode, an automated score was calculated to assess if this variant is too frequent to cause the disease. Based on the score and internal cut-off values, a variant classified as benign is not then subjected to further curation. The score for this variant resulted in a classification of benign for this disease.

Illumina Laboratory Services, Illumina
Classification: Uncertain significance for Dilated cardiomyopathy 1G. Last evaluated: 2018-01-12. Review status: criteria provided, single submitter. Criteria: ICSL Variant Classification Criteria 13 December 2019. Collection method: clinical testing. Allele origin: germline.

Illumina Laboratory Services, Illumina
Classification: Uncertain significance for Autosomal recessive limb-girdle muscular dystrophy type 2J. Last evaluated: 2018-01-12. Review status: criteria provided, single submitter. Criteria: ICSL Variant Classification Criteria 13 December 2019. Collection method: clinical testing. Allele origin: germline.

Illumina Laboratory Services, Illumina
Classification: Benign for Myopathy, myofibrillar, 9, with early respiratory failure. Last evaluated: 2018-01-12. Review status: criteria provided, single submitter. Criteria: ICSL Variant Classification Criteria 13 December 2019. Collection method: clinical testing. Allele origin: germline.
Comment: the same text as in the submission from Illumina Laboratory Services, Illumina above.

Illumina Laboratory Services, Illumina
Classification: Uncertain significance for Early-onset myopathy with fatal cardiomyopathy. Last evaluated: 2018-01-12. Review status: criteria provided, single submitter. Criteria: ICSL Variant Classification Criteria 13 December 2019. Collection method: clinical testing. Allele origin: germline.

Eurofins Ntd Llc (ga)
Classification: Likely benign. Last evaluated: 2016-08-10. Review status: criteria provided, single submitter. Criteria: EGL Classification Definitions 2015. Collection method: clinical testing. Allele origin: germline. Observed: 3 variant alleles, 3 heterozygotes.

Genetic Services Laboratory, University of Chicago
Classification: Likely benign. Last evaluated: 2015-11-13. Review status: criteria provided, single submitter. Criteria: ACMG Guidelines, 2015. Collection method: clinical testing. Allele origin: germline. Affected: no.

Laboratory for Molecular Medicine, Mass General Brigham Personalized Medicine
Classification: Benign. Last evaluated: 2012-04-03. Review status: criteria provided, single submitter. Criteria: LMM Criteria. Collection method: clinical testing. Allele origin: germline. Observed: 5 variant alleles.
Comment: Asn3026Ile in exon 38 of TTN: This variant is not expected to have clinical sign ificance because it has been identified in 0.85% (32/3738) of African American c hromosomes from a broad population by the NHLBI Exome Sequencing Project (dbSNP rs11900987)

Genetics and Genomics Program, Sidra Medicine
Classification: Likely benign for Hypertrophic cardiomyopathy. Review status: criteria provided, single submitter. Criteria: ACMG Guidelines, 2015. Collection method: research. Allele origin: unknown. Affected: yes. Observed: 1 variant allele.

PreventionGenetics, part of Exact Sciences
Classification: Likely benign for TTN-related condition. Last evaluated: 2019-06-14. Review status: no assertion criteria provided. Collection method: clinical testing. Allele origin: germline. Not counted in ClinVar's aggregate classification.
Comment: This variant is classified as likely benign based on ACMG/AMP sequence variant interpretation guidelines (Richards et al. 2015 PMID: 25741868, with internal and published modifications).

Clinical Genetics DNA and cytogenetics Diagnostics Lab, Erasmus MC, Erasmus Medical Center
Classification: Benign. Review status: no assertion criteria provided. Collection method: clinical testing. Allele origin: germline. Affected: yes. Study: VKGL Data-share Consensus. Not counted in ClinVar's aggregate classification.

Clinical Genetics, Academic Medical Center
Classification: Benign. Review status: no assertion criteria provided. Collection method: clinical testing. Allele origin: germline. Affected: yes. Study: VKGL Data-share Consensus. Not counted in ClinVar's aggregate classification.

Genome Diagnostics Laboratory, University Medical Center Utrecht
Classification: Likely benign. Review status: no assertion criteria provided. Collection method: clinical testing. Allele origin: germline. Affected: yes. Study: VKGL Data-share Consensus. Not counted in ClinVar's aggregate classification.

NM_001267550.2(TTN):c.9077A>T (p.Asn3026Ile)

Gene: TTN (titin; minus strand). Cytogenetic location: 2q31.2.
Variant type: single nucleotide variant.
Coding change: c.9077A>T on transcript NM_001267550.2 (MANE Select); coding-DNA position 9077, A replaced by T.
Protein change: p.Asn3026Ile; replaces asparagine 3026 with isoleucine.
Molecular consequence: missense variant.
Genome position (GRCh38, 1-based): chr2:178,768,759, T>A on the plus strand (A>T on the coding strand, the complement: TTN is on the minus strand). VCF-style: chr2-178768759-T-A. GRCh37 (hg19) VCF-style: chr2-179633486-T-A.
Other names: p.N3026I:AAC>ATC; c.9077A>T, p.Asn3026Ile (NM_001256850.1, NM_133378.4, NM_133379.5); c.8939A>T, p.Asn2980Ile (NM_003319.4, NM_133432.3, NM_133437.4); c.9077A>T (NM_001267550.1); short protein forms N3026I, N2980I.
Identifiers: ClinVar variation 47602 (VCV000047602.63), dbSNP rs11900987, ClinGen allele CA141480.